The following is an entry in ClinVar:

NM_000093.5(COL5A1):c.2088+2T>G

Gene: COL5A1 (collagen type V alpha 1 chain; plus strand). Cytogenetic location: 9q34.3.
Variant type: single nucleotide variant.
Coding change: c.2088+2T>G on transcript NM_000093.5 (MANE Select); the canonical splice donor site of the intron after coding-DNA position 2088, T replaced by G.
Molecular consequence: splice donor variant.
Genome position (GRCh38, 1-based): chr9:134,765,736, T>G. VCF-style: chr9-134765736-T-G. GRCh37 (hg19) VCF-style: chr9-137657582-T-G.
Other names: c.2088+2T>G (NM_001278074.1).
Identifiers: ClinVar variation 3650579 (VCV003650579.2).

ClinVar aggregate classification (germline): Likely pathogenic (1 of 4 stars; one submission).

Conditions:
Ehlers-Danlos syndrome, classic type, 1 (EDSCL1). Also called: EHLERS-DANLOS SYNDROME, GRAVIS TYPE; EHLERS-DANLOS SYNDROME, SEVERE CLASSIC TYPE; Ehlers-Danlos syndrome, type 1; Ehlers-Danlos Syndrome, Classic Type, COL5A1-Related; EDS I. Identifiers: MedGen C0268335, MONDO:0019567, OMIM 130000.

Submission:

Labcorp Genetics (formerly Invitae), Labcorp
Classification: Likely pathogenic for Ehlers-Danlos syndrome, classic type, 1. Last evaluated: 2024-04-29. Review status: criteria provided, single submitter. Criteria: Invitae Variant Classification Sherloc (09022015). Collection method: clinical testing. Allele origin: germline.
Comment: This sequence change affects a donor splice site in intron 21 of the COL5A1 gene. It is expected to disrupt RNA splicing. Variants that disrupt the donor or acceptor splice site typically lead to a loss of protein function (PMID: 16199547), and loss-of-function variants in COL5A1 are known to be pathogenic (PMID: 23587214). This variant is not present in population databases (gnomAD no frequency). Disruption of this splice site has been observed in individual(s) with clinical features of Ehlers-Danlos syndrome (Invitae). Algorithms developed to predict the effect of sequence changes on RNA splicing suggest that this variant may disrupt the consensus splice site. In summary, the currently available evidence indicates that the variant is pathogenic, but additional data are needed to prove that conclusively. Therefore, this variant has been classified as Likely Pathogenic.

Literature cited by the submitters: PubMed 16199547; PubMed 23587214.